The following is an entry in ClinVar:

NM_024675.4(PALB2):c.1312A>C (p.Lys438Gln)

Gene: PALB2 (partner and localizer of BRCA2; minus strand). Cytogenetic location: 16p12.2.
Variant type: single nucleotide variant.
Coding change: c.1312A>C on transcript NM_024675.4 (MANE Select); coding-DNA position 1312, A replaced by C.
Protein change: p.Lys438Gln; replaces lysine 438 with glutamine.
Molecular consequence: missense variant.
Genome position (GRCh38, 1-based): chr16:23,635,234, T>G on the plus strand (A>C on the coding strand, the complement: PALB2 is on the minus strand). VCF-style: chr16-23635234-T-G. GRCh37 (hg19) VCF-style: chr16-23646555-T-G.
Other names: c.1252A>C, p.Lys418Gln (NM_001407296.1); c.1312A>C, p.Lys438Gln (NM_001407297.1, NM_001407298.1, NM_001407299.1 and 3 more transcripts); c.427A>C, p.Lys143Gln (NM_001407304.1, NM_001407305.1, NM_001407306.1 and 5 more transcripts); short protein forms K143Q, K418Q, K438Q.
Identifiers: ClinVar variation 1769692 (VCV001769692.2), dbSNP rs2506481937, ClinGen allele CA395132399.

ClinVar aggregate classification (germline): Uncertain significance (1 of 4 stars; one submission).

Conditions:
Hereditary cancer-predisposing syndrome. Also called: Hereditary Cancer Syndrome; Hereditary neoplastic syndrome; Neoplastic Syndromes, Hereditary; Tumor predisposition. Identifiers: Orphanet 140162, MedGen C0027672, MeSH D009386, MONDO:0015356.

Submission:

Ambry Genetics
Classification: Uncertain significance for Hereditary cancer-predisposing syndrome. Last evaluated: 2022-03-16. Review status: criteria provided, single submitter. Criteria: Ambry Variant Classification Scheme 2023. Collection method: clinical testing. Allele origin: germline.
Comment: The p.K438Q variant (also known as c.1312A>C), located in coding exon 4 of the PALB2 gene, results from an A to C substitution at nucleotide position 1312. The lysine at codon 438 is replaced by glutamine, an amino acid with similar properties. This amino acid position is conserved. In addition, this alteration is predicted to be tolerated by in silico analysis. Since supporting evidence is limited at this time, the clinical significance of this alteration remains unclear.